The following is an entry in ClinVar:

ClinVar aggregate classification (germline): Uncertain significance. Review status: criteria provided, multiple submitters, no conflicts (2 of 4 stars). 4 submissions from 4 submitters: Uncertain significance (4). Last evaluated 2026-03-07.

Conditions:
Spastic paraplegia. Identifiers: MedGen C0037772, HP:0001258.
Hereditary spastic paraplegia 15 (SPG15). Also called: SPASTIC PARAPLEGIA 15, AUTOSOMAL RECESSIVE; KJELLIN SYNDROME; SPASTIC PARAPLEGIA AND RETINAL DEGENERATION. Identifiers: Orphanet 100996, MedGen C1849128, MONDO:0010044, OMIM 270700.
Inborn genetic diseases. Identifiers: MedGen C0950123, MeSH D030342.

Allele frequency attached by ClinVar (database versions not stated): ExAC 0.00003; gnomAD 0.00005; gnomAD exomes 0.00005; TOPMed 0.00006.
gnomAD v4.1: 45 of 1,614,004 alleles (0.0028%); highest among the groups gnomAD compares: Middle Eastern, 0.016%; no homozygotes.

Submissions (4):

GeneDx
Classification: Uncertain significance. Last evaluated: 2026-03-07. Review status: criteria provided, single submitter. Criteria: GeneDx Variant Classification Process June 2021. Collection method: clinical testing. Allele origin: germline.
Comment: In silico analysis suggests that this missense variant does not alter protein structure/function; Has not been previously published as pathogenic or benign to our knowledge

Ambry Genetics
Classification: Uncertain significance for Inborn genetic diseases. Last evaluated: 2023-02-14. Review status: criteria provided, single submitter. Criteria: Ambry Variant Classification Scheme 2023. Collection method: clinical testing. Allele origin: germline.

Labcorp Genetics (formerly Invitae), Labcorp
Classification: Uncertain significance for Spastic paraplegia. Last evaluated: 2022-10-17. Review status: criteria provided, single submitter. Criteria: Invitae Variant Classification Sherloc (09022015). Collection method: clinical testing. Allele origin: germline.
Comment: This sequence change replaces alanine, which is neutral and non-polar, with glycine, which is neutral and non-polar, at codon 405 of the ZFYVE26 protein (p.Ala405Gly). This variant is present in population databases (rs767366135, gnomAD 0.08%). This variant has not been reported in the literature in individuals affected with ZFYVE26-related conditions. ClinVar contains an entry for this variant (Variation ID: 888511). Algorithms developed to predict the effect of missense changes on protein structure and function are either unavailable or do not agree on the potential impact of this missense change (SIFT: "Tolerated"; PolyPhen-2: "Possibly Damaging"; Align-GVGD: "Class C0"). In summary, the available evidence is currently insufficient to determine the role of this variant in disease. Therefore, it has been classified as a Variant of Uncertain Significance.

Illumina Laboratory Services, Illumina
Classification: Uncertain significance for Hereditary spastic paraplegia 15. Last evaluated: 2018-01-13. Review status: criteria provided, single submitter. Criteria: ICSL Variant Classification Criteria 13 December 2019. Collection method: clinical testing. Allele origin: germline.

NM_015346.4(ZFYVE26):c.1214C>G (p.Ala405Gly)

Gene: ZFYVE26 (zinc finger FYVE-type containing 26; minus strand). Cytogenetic location: 14q24.1.
Variant type: single nucleotide variant.
Coding change: c.1214C>G on transcript NM_015346.4 (MANE Select); coding-DNA position 1214, C replaced by G.
Protein change: p.Ala405Gly; replaces alanine 405 with glycine.
Molecular consequence: missense variant.
Genome position (GRCh38, 1-based): chr14:67,805,274, G>C on the plus strand (C>G on the coding strand, the complement: ZFYVE26 is on the minus strand). VCF-style: chr14-67805274-G-C. GRCh37 (hg19) VCF-style: chr14-68271991-G-C.
Other names: short protein forms A405G.
Identifiers: ClinVar variation 888511 (VCV000888511.8), dbSNP rs767366135, ClinGen allele CA7240583.